The following is an entry in ClinVar:

ClinVar aggregate classification (germline): Likely benign (1 of 4 stars; one submission).

Conditions:
Familial cancer of breast. Also called: hereditary breast carcinoma; BREAST CANCER, FAMILIAL; Hereditary breast cancer. Identifiers: Orphanet 227535, MedGen C0346153, MONDO:0016419, OMIM 114480. Disease mechanism: loss of function.

Submission:

Myriad Genetics, Inc.
Classification: Likely benign for Familial cancer of breast. Last evaluated: 2024-06-12. Review status: criteria provided, single submitter. Criteria: Myriad Autosomal Dominant, Autosomal Recessive and X-Linked Classification Criteria (2023). Collection method: clinical testing. Allele origin: unknown.
Comment: This variant is considered likely benign. This variant is intronic and is not expected to impact mRNA splicing.

NM_000051.4(ATM):c.6808-18A>C

Genes: ATM (ATM serine/threonine kinase; plus strand), C11orf65 (chromosome 11 open reading frame 65; minus strand). Cytogenetic location: 11q22.3.
Variant type: single nucleotide variant.
Coding change: c.6808-18A>C on transcript NM_000051.4 (MANE Select); 18 bases into the intron before coding-DNA position 6808, A replaced by C.
Molecular consequence: intron variant.
Genome position (GRCh38, 1-based): chr11:108,326,040, A>C. VCF-style: chr11-108326040-A-C. GRCh37 (hg19) VCF-style: chr11-108196767-A-C.
Other names: c.6808-18A>C (NM_001351834.2); c.641-16969T>G (NM_001330368.2); c.*38+9180T>G (NM_001351110.2).
Identifiers: ClinVar variation 3254528 (VCV003254528.1), dbSNP rs1166582977.